The following is an entry in ClinVar:

ClinVar aggregate classification (germline): Pathogenic/Likely pathogenic. Review status: criteria provided, multiple submitters, no conflicts (2 of 4 stars). 4 submissions from 4 submitters: Pathogenic (3); Likely pathogenic (1). Last evaluated 2024-11-14.

Conditions:
Hereditary cancer-predisposing syndrome. Also called: Neoplastic Syndromes, Hereditary; Tumor predisposition; Hereditary Cancer Syndrome; Hereditary neoplastic syndrome. Identifiers: Orphanet 140162, MedGen C0027672, MeSH D009386, MONDO:0015356.
BAP1-related disorder. Also called: BAP1-related condition.
BAP1-related tumor predisposition syndrome (TPDS1). Also called: BAP1 tumor predisposition syndrome; Tumor susceptibility linked to germline BAP1 mutations; COMMON Syndrome; TUMOR PREDISPOSITION SYNDROME 1. Identifiers: Orphanet 289539, MedGen C3280492, MONDO:0013692, OMIM 614327.

Submissions (4):

Ambry Genetics
Classification: Pathogenic for Hereditary cancer-predisposing syndrome. Last evaluated: 2024-11-14. Review status: criteria provided, single submitter. Criteria: Ambry Variant Classification Scheme 2023. Collection method: clinical testing. Allele origin: germline.
Comment: The c.1359dupA pathogenic mutation, located in coding exon 13 of the BAP1 gene, results from a duplication of A at nucleotide position 1359, causing a translational frameshift with a predicted alternate stop codon (p.E454Rfs*15). This variant has been observed in at least one individual with a personal and/or family history that is consistent with BAP1-related tumor predisposition syndrome (Ambry internal data). This variant is considered to be rare based on population cohorts in the Genome Aggregation Database (gnomAD). This alteration is expected to result in loss of function by premature protein truncation or nonsense-mediated mRNA decay. As such, this alteration is interpreted as a disease-causing mutation.

Blueprint Genetics
Classification: Likely pathogenic for BAP1-related disorders. Last evaluated: 2024-09-21. Review status: criteria provided, single submitter. Criteria: ACMG Guidelines, 2015. Collection method: clinical testing. Allele origin: germline. Affected: yes. Observed: 1 variant allele.

Myriad Genetics, Inc.
Classification: Pathogenic for BAP1-related tumor predisposition syndrome. Last evaluated: 2023-11-21. Review status: criteria provided, single submitter. Criteria: Myriad Autosomal Dominant, Autosomal Recessive and X-Linked Classification Criteria (2023). Collection method: clinical testing. Allele origin: unknown.
Comment: This variant is considered pathogenic. This variant creates a frameshift predicted to result in premature protein truncation.

Labcorp Genetics (formerly Invitae), Labcorp
Classification: Pathogenic for BAP1-related tumor predisposition syndrome. Last evaluated: 2022-06-20. Review status: criteria provided, single submitter. Criteria: Invitae Variant Classification Sherloc (09022015). Collection method: clinical testing. Allele origin: germline.
Comment: This sequence change creates a premature translational stop signal (p.Glu454Argfs*15) in the BAP1 gene. It is expected to result in an absent or disrupted protein product. Loss-of-function variants in BAP1 are known to be pathogenic (PMID: 21874000, 23684012). This variant is not present in population databases (gnomAD no frequency). This variant has not been reported in the literature in individuals affected with BAP1-related conditions. For these reasons, this variant has been classified as Pathogenic.

Literature cited by the submitters: PubMed 21874000 (cited by Labcorp Genetics (formerly Invitae), Labcorp); PubMed 23684012 (cited by Labcorp Genetics (formerly Invitae), Labcorp).

NM_004656.4(BAP1):c.1359dup (p.Glu454fs)

Gene: BAP1 (BRCA1 associated deubiquitinase 1; minus strand). Cytogenetic location: 3p21.1.
Variant type: Duplication.
Coding change: c.1359dup on transcript NM_004656.4 (MANE Select); coding-DNA position 1359, one base duplicated (A; older notation c.1359dupA).
Protein change: p.Glu454fs; shifts the reading frame from glutamic acid 454.
Molecular consequence: frameshift variant.
Genome position (GRCh38, 1-based): chr3:52,403,786, T duplicated on the plus strand (A on the coding strand, the reverse complement: BAP1 is on the minus strand); the first of 3 consecutive T bases (chr3:52,403,786-52,403,788); duplicating any one gives the same sequence. VCF-style (leftmost placement, unchanged base first): chr3-52403785-C-CT. GRCh37 (hg19) VCF-style: chr3-52437801-C-CT.
Other names: c.1359dupA (NM_004656.2); c.1303dup, p.Glu436Argfs (NM_001410772.1); short protein forms E454fs.
Identifiers: ClinVar variation 2008572 (VCV002008572.7), dbSNP rs1351986946, ClinGen allele CA2579984147.
Genomic context (GRCh38, chr3:52,403,785, plus strand): 5'-GACTCCCAGCCCCGCTGCTAGTCTTGATGGACAGAGGAATTGAGAGGTCCTTCTGGGACT[C>CT]TTTGAGCTTCTCAGCCAAGACGTTGATGGTGTTGGGCTGCAGCACTGACAGTTGCCCATC-3'